The following is an entry in ClinVar:

ClinVar aggregate classification (germline): Uncertain significance (1 of 4 stars; one submission).

Conditions:
WDPCP-related disorder. Also called: WDPCP-related condition.

gnomAD v4.1: 3 of 1,612,668 alleles (0.00019%); highest among the groups gnomAD compares: East Asian, 0.0067%; no homozygotes.

Submission:

PreventionGenetics, part of Exact Sciences
Classification: Uncertain significance for WDPCP-related condition. Last evaluated: 2025-07-23. Review status: criteria provided, single submitter. Criteria: ACMG Guidelines, 2015. Collection method: clinical testing. Allele origin: germline.
Comment: The WDPCP c.1861G>A variant is predicted to result in the amino acid substitution p.Val621Met. To our knowledge, this variant has not been reported in the literature. This variant is reported in 0.022% of alleles in individuals of East Asian descent in gnomAD. At this time, the clinical significance of this variant is uncertain due to the absence of conclusive functional and genetic evidence.

NM_015910.7(WDPCP):c.1861G>A (p.Val621Met)

Gene: WDPCP (WD repeat containing planar cell polarity effector; minus strand). Cytogenetic location: 2p15.
Variant type: single nucleotide variant.
Coding change: c.1861G>A on transcript NM_015910.7 (MANE Select); coding-DNA position 1861, G replaced by A.
Protein change: p.Val621Met; replaces valine 621 with methionine.
Molecular consequence: missense variant. On other transcripts: non-coding transcript variant (2).
Genome position (GRCh38, 1-based): chr2:63,259,361, C>T on the plus strand (G>A on the coding strand, the complement: WDPCP is on the minus strand). VCF-style: chr2-63259361-C-T. GRCh37 (hg19) VCF-style: chr2-63486496-C-T.
Other names: c.1384G>A, p.Val462Met (NM_001042692.3); c.1789G>A, p.Val597Met (NM_001354044.2); short protein forms V462M, V597M, V621M.
Identifiers: ClinVar variation 4982596 (VCV004982596.1).